The following is an entry in ClinVar:

NM_015122.3(FCHO1):c.2272C>G (p.His758Asp)

Gene: FCHO1 (FCH and mu domain containing endocytic adaptor 1; plus strand). Cytogenetic location: 19p13.11.
Variant type: single nucleotide variant.
Coding change: c.2272C>G on transcript NM_015122.3 (MANE Select); coding-DNA position 2272, C replaced by G.
Protein change: p.His758Asp; replaces histidine 758 with aspartic acid.
Molecular consequence: missense variant. On other transcripts: non-coding transcript variant (35), intron variant (5).
Genome position (GRCh38, 1-based): chr19:17,784,770, C>G. VCF-style: chr19-17784770-C-G. GRCh37 (hg19) VCF-style: chr19-17895579-C-G.
Other names: c.2272C>G, p.His758Asp (NM_001161357.2, NM_001161358.2, NM_001384370.1 and 11 more transcripts); c.2122C>G, p.His708Asp (NM_001161359.2, NM_001384384.1, NM_001384385.1 and 1 more transcripts); c.2251C>G, p.His751Asp (NM_001384387.1); c.2233C>G, p.His745Asp (NM_001384388.1, NM_001384389.1); c.2197C>G, p.His733Asp (NM_001384390.1); c.2155C>G, p.His719Asp (NM_001384392.1, NM_001384393.1, NM_001384394.1 and 1 more transcripts); c.1996C>G, p.His666Asp (NM_001384396.1, NM_001384397.1, NM_001384398.1 and 4 more transcripts); c.1951C>G, p.His651Asp (NM_001384403.1); and 5 more; short protein forms H651D, H733D, H745D, H751D, H666D, H708D, H719D, H758D.
Identifiers: ClinVar variation 1937244 (VCV001937244.2), dbSNP rs200117114, ClinGen allele CA9300825.
Genomic context (GRCh38, chr19:17,784,770, plus strand): 5'-TCTCATTCTTCCTAGTTCTCCCGCCCGGGTCCCCAGTCTGTGCCTCTGCAGCTCAGTGCC[C>G]ACTGGCAGTGTGGAGCCACCCTCACCCAGGTCTCAGTGGAGTACGGCTACCGGCCCGGTG-3'
Protein context (NP_055937.1, residues 748-768): PQSVPLQLSA[His758Asp]WQCGATLTQV

ClinVar aggregate classification (germline): Uncertain significance (1 of 4 stars; one submission).

Allele frequency attached by ClinVar (database versions not stated): TOPMed below 0.00001; gnomAD exomes 0.00001; ExAC 0.00002.
gnomAD v4.1: 10 of 1,614,108 alleles (0.00062%); highest among the groups gnomAD compares: Admixed American, 0.005%; no homozygotes.

Submission:

Labcorp Genetics (formerly Invitae), Labcorp
Classification: Uncertain significance. Last evaluated: 2022-02-21. Review status: criteria provided, single submitter. Criteria: Invitae Variant Classification Sherloc (09022015). Collection method: clinical testing. Allele origin: germline.
Comment: This sequence change replaces histidine, which is basic and polar, with aspartic acid, which is acidic and polar, at codon 758 of the FCHO1 protein (p.His758Asp). This variant is present in population databases (rs200117114, gnomAD 0.01%). This variant has not been reported in the literature in individuals affected with FCHO1-related conditions. Algorithms developed to predict the effect of missense changes on protein structure and function (SIFT, PolyPhen-2, Align-GVGD) all suggest that this variant is likely to be tolerated. In summary, the available evidence is currently insufficient to determine the role of this variant in disease. Therefore, it has been classified as a Variant of Uncertain Significance.